The following is an entry in ClinVar:

ClinVar aggregate classification (germline): Likely benign. Review status: criteria provided, multiple submitters, no conflicts (2 of 4 stars). 5 submissions from 5 submitters: Likely benign (5). Last evaluated 2025-03-04.

Conditions:
Familial adenomatous polyposis 1 (FAP1). Also called: POLYPOSIS, ADENOMATOUS INTESTINAL; FAMILIAL ADENOMATOUS POLYPOSIS 1, ATTENUATED. Identifiers: MedGen C2713442, MONDO:0021056, OMIM 175100. Disease mechanism: loss of function.

Submissions (5):

Center for Genomic Medicine, Rigshospitalet, Copenhagen University Hospital
Classification: Likely benign. Last evaluated: 2025-03-04. Review status: criteria provided, single submitter. Criteria: ACMG Guidelines, 2015. Collection method: clinical testing. Allele origin: germline.

Myriad Genetics, Inc.
Classification: Likely benign for Familial adenomatous polyposis 1. Last evaluated: 2024-03-01. Review status: criteria provided, single submitter. Criteria: Myriad Autosomal Dominant, Autosomal Recessive and X-Linked Classification Criteria (2023). Collection method: clinical testing. Allele origin: unknown.
Comment: This variant is considered likely benign. This variant is intronic and is not expected to impact mRNA splicing.

Labcorp Genetics (formerly Invitae), Labcorp
Classification: Likely benign for Familial adenomatous polyposis 1. Last evaluated: 2023-04-23. Review status: criteria provided, single submitter. Criteria: Invitae Variant Classification Sherloc (09022015). Collection method: clinical testing. Allele origin: germline.

CeGaT Center for Human Genetics Tuebingen
Classification: Likely benign. Last evaluated: 2020-05-01. Review status: criteria provided, single submitter. Criteria: CeGaT Center For Human Genetics Tuebingen Variant Classification Criteria Version 2. Collection method: clinical testing. Allele origin: germline. Affected: yes. Observed: 1 variant allele.

GeneDx
Classification: Likely benign. Last evaluated: 2016-08-08. Review status: criteria provided, single submitter. Criteria: GeneDx Variant Classification (06012015). Collection method: clinical testing. Allele origin: germline. Affected: yes.
Comment: This variant is considered likely benign or benign based on one or more of the following criteria: it is a conservative change, it occurs at a poorly conserved position in the protein, it is predicted to be benign by multiple in silico algorithms, and/or has population frequency not consistent with disease.

NM_000038.6(APC):c.1408+8A>G

Gene: APC (APC regulator of Wnt signaling pathway; plus strand). Cytogenetic location: 5q22.2.
Variant type: single nucleotide variant.
Coding change: c.1408+8A>G on transcript NM_000038.6 (MANE Select); 8 bases into the intron after coding-DNA position 1408, A replaced by G.
Molecular consequence: intron variant.
Genome position (GRCh38, 1-based): chr5:112,821,999, A>G. VCF-style: chr5-112821999-A-G. GRCh37 (hg19) VCF-style: chr5-112157696-A-G.
Other names: c.1408+8A>G (NM_001354895.2, NM_001127510.3, NM_001354896.2); c.1438+8A>G (NM_001354897.2); c.1135+8A>G (NM_001354902.2); c.1354+8A>G (NM_001127511.3); c.1333+8A>G (NM_001354898.2); c.1030+8A>G (NM_001354904.2); c.559+8A>G (NM_001354906.2); c.1105+8A>G (NM_001354903.2); and 3 more.
Identifiers: ClinVar variation 388511 (VCV000388511.52), dbSNP rs1057523135, ClinGen allele CA16604742.